The following is an entry in ClinVar:

ClinVar aggregate classification (germline): Uncertain significance (1 of 4 stars; one submission).

Conditions:
Landau-Kleffner syndrome (FESD). Also called: EPILEPSY, FOCAL, WITH SPEECH DISORDER AND WITH OR WITHOUT MENTAL RETARDATION; APHASIA, ACQUIRED, WITH EPILEPSY. Identifiers: Orphanet 1945, Orphanet 725, Orphanet 98818, MedGen C0282512, MONDO:0009509, OMIM 245570.

gnomAD v4.1: 1 of 1,613,836 alleles (0.000062%); highest among the groups gnomAD compares: African/African-American, 0.0013%; no homozygotes.

Submission:

Labcorp Genetics (formerly Invitae), Labcorp
Classification: Uncertain significance for Landau-Kleffner syndrome. Last evaluated: 2024-11-07. Review status: criteria provided, single submitter. Criteria: Invitae Variant Classification Sherloc (09022015). Collection method: clinical testing. Allele origin: germline.
Comment: This sequence change replaces leucine, which is neutral and non-polar, with proline, which is neutral and non-polar, at codon 1284 of the GRIN2A protein (p.Leu1284Pro). This variant is present in population databases (no rsID available, gnomAD 0.01%). This variant has not been reported in the literature in individuals affected with GRIN2A-related conditions. Invitae Evidence Modeling of protein sequence and biophysical properties (such as structural, functional, and spatial information, amino acid conservation, physicochemical variation, residue mobility, and thermodynamic stability) has been performed for this missense variant. However, the output from this modeling did not meet the statistical confidence thresholds required to predict the impact of this variant on GRIN2A protein function. In summary, the available evidence is currently insufficient to determine the role of this variant in disease. Therefore, it has been classified as a Variant of Uncertain Significance.

NM_001134407.3(GRIN2A):c.3851T>C (p.Leu1284Pro)

Gene: GRIN2A (glutamate ionotropic receptor NMDA type subunit 2A; minus strand). Cytogenetic location: 16p13.2.
Variant type: single nucleotide variant.
Coding change: c.3851T>C on transcript NM_001134407.3 (MANE Select); coding-DNA position 3851, T replaced by C.
Protein change: p.Leu1284Pro; replaces leucine 1284 with proline.
Molecular consequence: missense variant. On other transcripts: intron variant (1).
Genome position (GRCh38, 1-based): chr16:9,763,693, A>G on the plus strand (T>C on the coding strand, the complement: GRIN2A is on the minus strand). VCF-style: chr16-9763693-A-G. GRCh37 (hg19) VCF-style: chr16-9857550-A-G.
Other names: c.3851T>C, p.Leu1284Pro (NM_000833.5); c.3772+79T>C (NM_001134408.2); short protein forms L1284P.
Identifiers: ClinVar variation 3672506 (VCV003672506.2).